The following is an entry in ClinVar:

NM_001025616.3(ARHGAP24):c.2040G>C (p.Met680Ile)

Gene: ARHGAP24 (Rho GTPase activating protein 24; plus strand). Cytogenetic location: 4q21.3.
Variant type: single nucleotide variant.
Coding change: c.2040G>C on transcript NM_001025616.3 (MANE Select); coding-DNA position 2040, G replaced by C.
Protein change: p.Met680Ile; replaces methionine 680 with isoleucine.
Molecular consequence: missense variant.
Genome position (GRCh38, 1-based): chr4:86,000,515, G>C. VCF-style: chr4-86000515-G-C. GRCh37 (hg19) VCF-style: chr4-86921668-G-C.
Other names: c.1755G>C, p.Met585Ile (NM_001042669.2); c.1785G>C, p.Met595Ile (NM_001287805.2); c.1461G>C, p.Met487Ile (NM_001346093.2); c.1761G>C, p.Met587Ile (NM_031305.3); c.2040G>C (NM_001025616.2); short protein forms M585I, M680I, M487I, M587I, M595I.
Identifiers: ClinVar variation 2202945 (VCV002202945.5), dbSNP rs200818558, ClinGen allele CA2994881.

ClinVar aggregate classification (germline): Conflicting classifications of pathogenicity. Review status: criteria provided, conflicting classifications (1 of 4 stars). 2 submissions from 2 submitters: Uncertain significance (1); Likely benign (1). Last evaluated 2025-08-11.

Allele frequency attached by ClinVar (database versions not stated): ESP Exome Variant Server 0.00008; gnomAD exomes 0.00008; ExAC 0.00009; gnomAD 0.00009.
gnomAD v4.1: 116 of 1,559,082 alleles (0.0074%); highest among the groups gnomAD compares: Non-Finnish European, 0.0093%; no homozygotes.

Submissions (2):

Ambry Genetics
Classification: Likely benign. Last evaluated: 2025-08-11. Review status: criteria provided, single submitter. Criteria: Ambry Variant Classification Scheme 2023. Collection method: clinical testing. Allele origin: germline.

Labcorp Genetics (formerly Invitae), Labcorp
Classification: Uncertain significance. Last evaluated: 2025-03-01. Review status: criteria provided, single submitter. Criteria: Invitae Variant Classification Sherloc (09022015). Collection method: clinical testing. Allele origin: germline.
Comment: This sequence change replaces methionine, which is neutral and non-polar, with isoleucine, which is neutral and non-polar, at codon 680 of the ARHGAP24 protein (p.Met680Ile). This variant is present in population databases (rs200818558, gnomAD 0.02%). This variant has not been reported in the literature in individuals affected with ARHGAP24-related conditions. ClinVar contains an entry for this variant (Variation ID: 2202945). An algorithm developed to predict the effect of missense changes on protein structure and function (PolyPhen-2) suggests that this variant is likely to be tolerated. In summary, the available evidence is currently insufficient to determine the role of this variant in disease. Therefore, it has been classified as a Variant of Uncertain Significance.